The following is an entry in ClinVar:

NM_000179.3(MSH6):c.2180_2182del (p.Thr727del)

Gene: MSH6 (mutS homolog 6; plus strand). Cytogenetic location: 2p16.3.
Variant type: Deletion.
Coding change: c.2180_2182del on transcript NM_000179.3 (MANE Select); coding-DNA positions 2180 to 2182, 3 bases deleted (CCA; older notation c.2180_2182delCCA).
Protein change: p.Thr727del; deletes threonine 727.
Molecular consequence: non-coding transcript variant (on NR_176256.1). On other transcripts: intron variant (2).
Genome position (GRCh38, 1-based): chr2:47,800,163-47,800,165, CCA deleted; deleting any 3 consecutive bases within chr2:47,800,161-47,800,165 gives the same sequence; the c. name uses the placement nearest the transcript's 3' end. VCF-style (leftmost placement, unchanged base first): chr2-47800160-TCAC-T. GRCh37 (hg19) VCF-style: chr2-48027299-TCAC-T.
Other names: c.1790_1792del, p.Thr597del (NM_001281492.2); c.1274_1276del, p.Thr425del (NM_001281493.2, NM_001281494.2, NM_001406811.1 and 6 more transcripts); c.2276_2278del, p.Thr759del (NM_001406795.1, NM_001406802.1); c.2180_2182del, p.Thr727del (NM_001406796.1, NM_001406798.1, NM_001406800.1 and 3 more transcripts); c.1883_1885del, p.Thr628del (NM_001406797.1, NM_001406801.1, NM_001406805.1 and 10 more transcripts); c.1655_1657del, p.Thr552del (NM_001406799.1, NM_001406806.1, NM_001406807.1); c.2102_2104del, p.Thr701del (NM_001406804.1); c.2186_2188del, p.Thr729del (NM_001406813.1); and 3 more; short protein forms T759del, T425del, T628del, T552del, T597del, T671del, T701del, T727del.
Identifiers: ClinVar variation 3913721 (VCV003913721.2).

ClinVar aggregate classification (germline): Uncertain significance. Review status: criteria provided, multiple submitters, no conflicts (2 of 4 stars). 2 submissions from 2 submitters: Uncertain significance (2). Last evaluated 2025-07-24.

Conditions:
Hereditary nonpolyposis colorectal neoplasms. Identifiers: MedGen C0009405, MeSH D003123.
Hereditary cancer-predisposing syndrome. Also called: Hereditary Cancer Syndrome; Hereditary neoplastic syndrome; Neoplastic Syndromes, Hereditary; Tumor predisposition. Identifiers: Orphanet 140162, MedGen C0027672, MeSH D009386, MONDO:0015356.

Submissions (2):

Labcorp Genetics (formerly Invitae), Labcorp
Classification: Uncertain significance for Hereditary nonpolyposis colorectal neoplasms. Last evaluated: 2025-07-24. Review status: criteria provided, single submitter. Criteria: Invitae Variant Classification Sherloc (09022015). Collection method: clinical testing. Allele origin: germline.
Comment: This variant, c.2180_2182del, results in the deletion of 1 amino acid(s) of the MSH6 protein (p.Thr727del), but otherwise preserves the integrity of the reading frame. This variant is not present in population databases (gnomAD no frequency). This variant has not been reported in the literature in individuals affected with MSH6-related conditions. Experimental studies and prediction algorithms are not available or were not evaluated, and the functional significance of this variant is currently unknown. In summary, the available evidence is currently insufficient to determine the role of this variant in disease. Therefore, it has been classified as a Variant of Uncertain Significance.

Ambry Genetics
Classification: Uncertain significance for Hereditary cancer-predisposing syndrome. Last evaluated: 2025-03-20. Review status: criteria provided, single submitter. Criteria: Ambry Variant Classification Scheme 2023. Collection method: clinical testing. Allele origin: germline.
Comment: The c.2180_2182delCCA variant (also known as p.T727del) is located in coding exon 4 of the MSH6 gene. This variant results from an in-frame CCA deletion at nucleotide positions 2180 to 2182. This results in the in-frame deletion of a threonine at codon 727. This amino acid position is poorly conserved in available vertebrate species. In addition, the in silico prediction for this alteration is inconclusive (Choi Y et al. PLoS ONE. 2012; 7(10):e46688). Based on the available evidence, the clinical significance of this variant remains unclear.